The following is an entry in ClinVar:

NM_182961.4(SYNE1):c.22978C>T (p.Arg7660Trp)

Gene: SYNE1 (spectrin repeat containing nuclear envelope protein 1; minus strand). Cytogenetic location: 6q25.2.
Variant type: single nucleotide variant.
Coding change: c.22978C>T on transcript NM_182961.4 (MANE Select); coding-DNA position 22978, C replaced by T.
Protein change: p.Arg7660Trp; replaces arginine 7660 with tryptophan.
Molecular consequence: missense variant.
Genome position (GRCh38, 1-based): chr6:152,206,209, G>A on the plus strand (C>T on the coding strand, the complement: SYNE1 is on the minus strand). VCF-style: chr6-152206209-G-A. GRCh37 (hg19) VCF-style: chr6-152527344-G-A.
Other names: c.22765C>T, p.Arg7589Trp (NM_033071.5); short protein forms R7660W, R7589W.
Identifiers: ClinVar variation 289584 (VCV000289584.21), dbSNP rs202017153, ClinGen allele CA4053741.

ClinVar aggregate classification (germline): Conflicting classifications of pathogenicity. Review status: criteria provided, conflicting classifications (1 of 4 stars). 7 submissions from 6 submitters: Uncertain significance (6); Likely benign (1). Last evaluated 2024-06-21.

Conditions:
Inborn genetic diseases. Identifiers: MedGen C0950123, MeSH D030342.
Autosomal recessive ataxia, Beauce type. Also called: Spinocerebellar ataxia, autosomal recessive 8; ATAXIA, RECESSIVE, OF BEAUCE; SYNE1 Deficiency; SYNE1-Related Autosomal Recessive Cerebellar Ataxia. Identifiers: Orphanet 88644, MedGen C1853116, MONDO:0012549, OMIM 610743.
Emery-Dreifuss muscular dystrophy 4, autosomal dominant (EDMD4). Also called: EMERY-DREIFUSS MUSCULAR DYSTROPHY 4 WITH VARIABLE FEATURES. Identifiers: Orphanet 261, MedGen C2751807, MONDO:0013071, OMIM 612998.

Allele frequency attached by ClinVar (database versions not stated): gnomAD 0.00002 and 0.00003; gnomAD exomes 0.00002 and 0.00010; TOPMed 0.00003; ExAC 0.00007; 1000 Genomes Project 30x 0.00031; 1000 Genomes Project 0.00040.
gnomAD v4.1: 46 of 1,613,420 alleles (0.0029%); highest among the groups gnomAD compares: East Asian, 0.051%; no homozygotes.

Submissions (7):

Revvity Omics, Revvity
Classification: Uncertain significance. Last evaluated: 2024-06-21. Review status: criteria provided, single submitter. Criteria: ACMG Guidelines, 2015. Collection method: clinical testing. Allele origin: germline.

Labcorp Genetics (formerly Invitae), Labcorp
Classification: Uncertain significance for Emery-Dreifuss muscular dystrophy 4, autosomal dominant; Autosomal recessive ataxia, Beauce type. Last evaluated: 2020-03-18. Review status: criteria provided, single submitter. Criteria: Invitae Variant Classification Sherloc (09022015). Collection method: clinical testing. Allele origin: germline.
Comment: This sequence change replaces arginine with tryptophan at codon 7589 of the SYNE1 protein (p.Arg7589Trp). The arginine residue is moderately conserved and there is a moderate physicochemical difference between arginine and tryptophan. This variant is present in population databases (rs202017153, ExAC 0.05%). This variant has not been reported in the literature in individuals with SYNE1-related conditions. ClinVar contains an entry for this variant (Variation ID: 289584). Algorithms developed to predict the effect of missense changes on protein structure and function are either unavailable or do not agree on the potential impact of this missense change (SIFT: "Tolerated"; PolyPhen-2: "Possibly Damaging"; Align-GVGD: "Class C0"). In summary, the available evidence is currently insufficient to determine the role of this variant in disease. Therefore, it has been classified as a Variant of Uncertain Significance.

GeneDx
Classification: Uncertain significance. Last evaluated: 2019-10-18. Review status: criteria provided, single submitter. Criteria: GeneDx Variant Classification Process June 2021. Collection method: clinical testing. Allele origin: germline. Affected: yes.
Comment: In silico analysis, which includes protein predictors and evolutionary conservation, supports a deleterious effect; Has not been previously published as pathogenic or benign to our knowledge

Illumina Laboratory Services, Illumina
Classification: Uncertain significance for Autosomal recessive ataxia, Beauce type. Last evaluated: 2018-01-12. Review status: criteria provided, single submitter. Criteria: ICSL Variant Classification Criteria 13 December 2019. Collection method: clinical testing. Allele origin: germline.

Illumina Laboratory Services, Illumina
Classification: Likely benign for Emery-Dreifuss muscular dystrophy 4, autosomal dominant. Last evaluated: 2018-01-12. Review status: criteria provided, single submitter. Criteria: ICSL Variant Classification Criteria 13 December 2019. Collection method: clinical testing. Allele origin: germline.
Comment: This variant was observed in the ICSL laboratory as part of a predisposition screen in an ostensibly healthy population. It had not been previously curated by ICSL or reported in the Human Gene Mutation Database (HGMD: prior to June 1st, 2018), and was therefore a candidate for classification through an automated scoring system. Utilizing variant allele frequency, disease prevalence and penetrance estimates, and inheritance mode, an automated score was calculated to assess if this variant is too frequent to cause the disease. Based on the score and internal cut-off values, a variant classified as likely benign is not then subjected to further curation. The score for this variant resulted in a classification of likely benign for this disease.

Ambry Genetics
Classification: Uncertain significance for Inborn genetic diseases. Last evaluated: 2018-01-06. Review status: criteria provided, single submitter. Criteria: Ambry exome assertion method (8-5-2015). Collection method: clinical testing. Allele origin: germline. Affected: yes. Observed: 1 variant allele.

Eurofins Ntd Llc (ga)
Classification: Uncertain significance. Last evaluated: 2016-07-25. Review status: criteria provided, single submitter. Criteria: EGL Classification Definitions 2015. Collection method: clinical testing. Allele origin: germline. Observed: 1 variant allele, 1 heterozygote.